The following is an entry in ClinVar:

ClinVar aggregate classification (germline): Uncertain significance (1 of 4 stars; one submission).

gnomAD v4.1: 18 of 1,557,624 alleles (0.0012%); highest among the groups gnomAD compares: Middle Eastern, 0.017%; no homozygotes.

Submission:

GeneDx
Classification: Uncertain significance. Last evaluated: 2024-12-03. Review status: criteria provided, single submitter. Criteria: GeneDx Variant Classification Process June 2021. Collection method: clinical testing. Allele origin: germline. Affected: yes.
Comment: Not observed at significant frequency in large population cohorts (gnomAD); In silico analysis supports that this missense variant has a deleterious effect on protein structure/function; Has not been previously published as pathogenic or benign to our knowledge

NM_001039141.3(TRIOBP):c.6017C>T (p.Pro2006Leu)

Gene: TRIOBP (TRIO and F-actin binding protein; plus strand). Cytogenetic location: 22q13.1.
Variant type: single nucleotide variant.
Coding change: c.6017C>T on transcript NM_001039141.3 (MANE Select); coding-DNA position 6017, C replaced by T.
Protein change: p.Pro2006Leu; replaces proline 2006 with leucine.
Molecular consequence: missense variant.
Genome position (GRCh38, 1-based): chr22:37,757,942, C>T. VCF-style: chr22-37757942-C-T. GRCh37 (hg19) VCF-style: chr22-38153949-C-T.
Other names: c.878C>T, p.Pro293Leu (NM_007032.5, NM_138632.2); short protein forms P2006L, P293L.
Identifiers: ClinVar variation 3901595 (VCV003901595.1).